The following is an entry in ClinVar:

NM_000334.4(SCN4A):c.489C>G (p.Thr163=)

Gene: SCN4A (sodium voltage-gated channel alpha subunit 4; minus strand). Cytogenetic location: 17q23.3.
Variant type: single nucleotide variant.
Coding change: c.489C>G on transcript NM_000334.4 (MANE Select); coding-DNA position 489, C replaced by G.
Protein change: p.Thr163=; no amino-acid change (threonine 163 retained).
Molecular consequence: synonymous variant.
Genome position (GRCh38, 1-based): chr17:63,971,844, G>C on the plus strand (C>G on the coding strand, the complement: SCN4A is on the minus strand). VCF-style: chr17-63971844-G-C. GRCh37 (hg19) VCF-style: chr17-62049204-G-C.
Other names: p.Thr163=.
Identifiers: ClinVar variation 255858 (VCV000255858.22), dbSNP rs146590697, ClinGen allele CA8710127.

ClinVar aggregate classification (germline): Benign. Review status: criteria provided, multiple submitters, no conflicts (2 of 4 stars). 11 submissions from 7 submitters: Benign (11). Last evaluated 2026-02-01.

Conditions:
Hyperkalemic periodic paralysis. Also called: Familial hyperkalemic periodic paralysis; Gamstorp disease. Identifiers: Orphanet 682, MedGen C0238357, MONDO:0008224, OMIM 170500, HP:0007215.
Hypokalemic periodic paralysis, type 2 (HOKPP2). Identifiers: Orphanet 681, MedGen C2750061, MONDO:0013234, OMIM 613345.
Potassium-aggravated myotonia. Also called: SODIUM CHANNEL MUSCLE DISEASE; MYOTONIA CONGENITA, ACETAZOLAMIDE-RESPONSIVE; MYOTONIA CONGENITA, ATYPICAL; Myotonia congenita, atypical, acetazolamide-responsive. Identifiers: Orphanet 612, Orphanet 99734, Orphanet 99735, Orphanet 99736, MedGen C2931826, MONDO:0018959, OMIM 608390.
Congenital myasthenic syndrome 16. Identifiers: Orphanet 590, MedGen C3280112, MONDO:0013620, OMIM 614198.
Paramyotonia congenita of Von Eulenburg. Also called: Paramyotonia Congenita; Eulenburg disease; Myotonia congenita intermittens; Von Eulenburg paramyotonia congenita; PARALYSIS PERIODICA PARAMYOTONICA. Identifiers: Orphanet 684, MedGen C0221055, MONDO:0008195, OMIM 168300. Disease mechanism: loss of function.

Allele frequency attached by ClinVar (database versions not stated): 1000 Genomes Project 30x 0.00515; gnomAD exomes 0.00995 and 0.00884; 1000 Genomes Project 0.00499; ESP Exome Variant Server 0.00742; gnomAD 0.00885 and 0.00848; ExAC 0.00963; TOPMed 0.00762.
gnomAD v4.1: 14,229 of 1,576,938 alleles (0.9%); highest among the groups gnomAD compares: Middle Eastern, 5.9%; 144 homozygotes.

Submissions (11):

Labcorp Genetics (formerly Invitae), Labcorp
Classification: Benign for Hyperkalemic periodic paralysis. Last evaluated: 2026-02-01. Review status: criteria provided, single submitter. Criteria: Invitae Variant Classification Sherloc (09022015). Collection method: clinical testing. Allele origin: germline.

Athena Diagnostics
Classification: Benign. Last evaluated: 2024-07-31. Review status: criteria provided, single submitter. Criteria: Athena Diagnostics Criteria. Collection method: clinical testing. Allele origin: unknown.

Mayo Clinic Laboratories, Mayo Clinic
Classification: Benign. Last evaluated: 2020-02-10. Review status: criteria provided, single submitter. Criteria: ACMG Guidelines, 2015. Collection method: clinical testing. Allele origin: germline. Observed: 13 variant alleles.

Illumina Laboratory Services, Illumina
Classification: Benign for Congenital myasthenic syndrome 16. Last evaluated: 2018-01-13. Review status: criteria provided, single submitter. Criteria: ICSL Variant Classification Criteria 13 December 2019. Collection method: clinical testing. Allele origin: germline.
Comment: This variant was observed in the ICSL laboratory as part of a predisposition screen in an ostensibly healthy population. It had not been previously curated by ICSL or reported in the Human Gene Mutation Database (HGMD: prior to June 1st, 2018), and was therefore a candidate for classification through an automated scoring system. Utilizing variant allele frequency, disease prevalence and penetrance estimates, and inheritance mode, an automated score was calculated to assess if this variant is too frequent to cause the disease. Based on the score and internal cut-off values, a variant classified as benign is not then subjected to further curation. The score for this variant resulted in a classification of benign for this disease.

Illumina Laboratory Services, Illumina
Classification: Benign for Paramyotonia congenita of Von Eulenburg. Last evaluated: 2018-01-13. Review status: criteria provided, single submitter. Criteria: ICSL Variant Classification Criteria 13 December 2019. Collection method: clinical testing. Allele origin: germline.
Comment: the same text as in the submission from Illumina Laboratory Services, Illumina above.

Illumina Laboratory Services, Illumina
Classification: Benign for Hypokalemic periodic paralysis, type 2. Last evaluated: 2018-01-13. Review status: criteria provided, single submitter. Criteria: ICSL Variant Classification Criteria 13 December 2019. Collection method: clinical testing. Allele origin: germline.
Comment: the same text as in the submission from Illumina Laboratory Services, Illumina above.

Illumina Laboratory Services, Illumina
Classification: Benign for Hyperkalemic periodic paralysis. Last evaluated: 2018-01-13. Review status: criteria provided, single submitter. Criteria: ICSL Variant Classification Criteria 13 December 2019. Collection method: clinical testing. Allele origin: germline.
Comment: the same text as in the submission from Illumina Laboratory Services, Illumina above.

Illumina Laboratory Services, Illumina
Classification: Benign for Potassium-aggravated myotonia. Last evaluated: 2018-01-13. Review status: criteria provided, single submitter. Criteria: ICSL Variant Classification Criteria 13 December 2019. Collection method: clinical testing. Allele origin: germline.
Comment: the same text as in the submission from Illumina Laboratory Services, Illumina above.

GeneDx
Classification: Benign. Last evaluated: 2016-02-04. Review status: criteria provided, single submitter. Criteria: GeneDx Variant Classification (06012015). Collection method: clinical testing. Allele origin: germline. Affected: yes.
Comment: This variant is considered likely benign or benign based on one or more of the following criteria: it is a conservative change, it occurs at a poorly conserved position in the protein, it is predicted to be benign by multiple in silico algorithms, and/or has population frequency not consistent with disease.

Breakthrough Genomics
Classification: Benign. Review status: criteria provided, single submitter. Criteria: ACMG Guidelines, 2015. Collection method: not provided. Allele origin: germline. Inheritance: Autosomal recessive inheritance. Affected: yes.

PreventionGenetics, part of Exact Sciences
Classification: Benign. Review status: criteria provided, single submitter. Criteria: ACMG Guidelines, 2015. Collection method: clinical testing. Allele origin: germline.